The following is an entry in ClinVar:

NM_002087.4(GRN):c.1644+1G>A

Gene: GRN (granulin precursor; plus strand). Cytogenetic location: 17q21.31.
Variant type: single nucleotide variant.
Coding change: c.1644+1G>A on transcript NM_002087.4 (MANE Select); the canonical splice donor site of the intron after coding-DNA position 1644, G replaced by A.
Molecular consequence: splice donor variant.
Genome position (GRCh38, 1-based): chr17:44,352,572, G>A. VCF-style: chr17-44352572-G-A. GRCh37 (hg19) VCF-style: chr17-42429940-G-A.
Identifiers: ClinVar variation 1675673 (VCV001675673.34), dbSNP rs2143349147, ClinGen allele CA399770750.

ClinVar aggregate classification (germline): Conflicting classifications of pathogenicity. Review status: criteria provided, conflicting classifications (1 of 4 stars). 2 submissions from 2 submitters: Likely pathogenic (1); Uncertain significance (1). Last evaluated 2023-07-06.

Allele frequency attached by ClinVar (database versions not stated): gnomAD exomes below 0.00001.
gnomAD v4.1: 1 of 1,612,996 alleles (0.000062%); highest among the groups gnomAD compares: Non-Finnish European, 0.000085%; no homozygotes.

Submissions (2):

Clinical Genetics Laboratory, Skane University Hospital Lund
Classification: Likely pathogenic. Last evaluated: 2023-07-06. Review status: criteria provided, single submitter. Criteria: ACMG Guidelines, 2015. Collection method: clinical testing. Allele origin: germline. Affected: yes.

CeGaT Center for Human Genetics Tuebingen
Classification: Uncertain significance. Last evaluated: 2022-03-01. Review status: criteria provided, single submitter. Criteria: CeGaT Center For Human Genetics Tuebingen Variant Classification Criteria Version 2. Collection method: clinical testing. Allele origin: germline. Affected: yes. Observed: 1 variant allele.
Comment: GRN: PM2, PVS1:Moderate